The following is an entry in ClinVar:

ClinVar aggregate classification (germline): Pathogenic (1 of 4 stars; one submission).

Conditions:
X-linked chondrodysplasia punctata 1 (CDPX1). Also called: Chondrodysplasia punctata, X-linked recessive; CHONDRODYSPLASIA PUNCTATA, BRACHYTELEPHALANGIC. Identifiers: Orphanet 79345, MedGen C3669395, MONDO:0010555, OMIM 302950.

Submission:

Labcorp Genetics (formerly Invitae), Labcorp
Classification: Pathogenic for Chondrodysplasia punctata, brachytelephalangic, autosomal. Last evaluated: 2020-09-24. Review status: criteria provided, single submitter. Criteria: Invitae Variant Classification Sherloc (09022015). Collection method: clinical testing. Allele origin: germline.
Comment: A gross deletion of the genomic region encompassing the full coding sequence of the ARSE gene has been identified. The boundaries of this event are unknown as the deletion extends beyond the assayed region for this gene and therefore may encompass additional genes. Similar whole-gene deletions of ARSE have been reported in individuals affected with chondrodysplasia punctata (PMID: 23470839, 12567415). Loss-of-function variants in ARSE are known to be pathogenic (PMID: 9497243, 23470839). For these reasons, this variant has been classified as Pathogenic.

Literature cited by the submitters: PubMed 23470839; PubMed 12567415; PubMed 9497243.

NC_000023.10:g.(?_2838632)_(2878441_?)del

Genes: ARSD (arylsulfatase D; minus strand), ARSL (arylsulfatase L; minus strand). Cytogenetic location: Xp22.33.
Variant type: Deletion.
Identifiers: ClinVar variation 1073287 (VCV001073287.1).